The following is an entry in ClinVar:

NM_138704.4(NSMCE3):c.877G>A (p.Ala293Thr)

Genes: ENTREP2 (endosomal transmembrane epsin interactor 2; minus strand), NSMCE3 (NSE3 component of SMC5/6 complex; minus strand). Cytogenetic location: 15q13.1.
Variant type: single nucleotide variant.
Coding change: c.877G>A on transcript NM_138704.4 (MANE Select); coding-DNA position 877, G replaced by A.
Protein change: p.Ala293Thr; replaces alanine 293 with threonine.
Molecular consequence: missense variant. On other transcripts: intron variant (5).
Genome position (GRCh38, 1-based): chr15:29,268,829, C>T on the plus strand (G>A on the coding strand, the complement: NSMCE3 is on the minus strand). VCF-style: chr15-29268829-C-T. GRCh37 (hg19) VCF-style: chr15-29561033-C-T.
Other names: c.-12-16351G>A (NM_001387217.1, NM_001387215.1, NM_001387216.1); c.277-16351G>A (NM_001387214.1, NM_015307.2); short protein forms A293T.
Identifiers: ClinVar variation 1004005 (VCV001004005.7), dbSNP rs140913580, ClinGen allele CA7446041.

ClinVar aggregate classification (germline): Uncertain significance. Review status: criteria provided, multiple submitters, no conflicts (2 of 4 stars). 2 submissions from 2 submitters: Uncertain significance (2). Last evaluated 2024-12-12.

Conditions:
Lung disease, immunodeficiency, and chromosome breakage syndrome;. Also called: Lung disease, immunodeficiency, and chromosome breakage syndrome. Identifiers: MedGen C4310653, MONDO:0014984, OMIM 617241.

Allele frequency attached by ClinVar (database versions not stated): 1000 Genomes Project 0.00020; TOPMed 0.00027; gnomAD exomes 0.00005 and 0.00003; ExAC 0.00007; 1000 Genomes Project 30x 0.00016; gnomAD 0.00026 and 0.00029; ESP Exome Variant Server 0.00046.
gnomAD v4.1: 87 of 1,613,950 alleles (0.0054%); highest among the groups gnomAD compares: African/African-American, 0.1%; no homozygotes.

Submissions (2):

Revvity Omics, Revvity
Classification: Uncertain significance for Lung disease, immunodeficiency, and chromosome breakage syndrome;. Last evaluated: 2024-12-12. Review status: criteria provided, single submitter. Criteria: ACMG Guidelines, 2015. Collection method: clinical testing. Allele origin: germline.

Labcorp Genetics (formerly Invitae), Labcorp
Classification: Uncertain significance. Last evaluated: 2022-08-19. Review status: criteria provided, single submitter. Criteria: Invitae Variant Classification Sherloc (09022015). Collection method: clinical testing. Allele origin: germline.
Comment: This sequence change replaces alanine, which is neutral and non-polar, with threonine, which is neutral and polar, at codon 293 of the NSMCE3 protein (p.Ala293Thr). This variant is present in population databases (rs140913580, gnomAD 0.07%). This variant has not been reported in the literature in individuals affected with NSMCE3-related conditions. ClinVar contains an entry for this variant (Variation ID: 1004005). Algorithms developed to predict the effect of missense changes on protein structure and function (SIFT, PolyPhen-2, Align-GVGD) all suggest that this variant is likely to be tolerated. In summary, the available evidence is currently insufficient to determine the role of this variant in disease. Therefore, it has been classified as a Variant of Uncertain Significance.